The following is an entry in ClinVar:

ClinVar aggregate classification (germline): Likely benign (1 of 4 stars; one submission).

Conditions:
Arrhythmogenic cardiomyopathy with wooly hair and keratoderma. Also called: PALMOPLANTAR KERATODERMA WITH LEFT VENTRICULAR CARDIOMYOPATHY AND WOOLLY HAIR; Carvajal syndrome; Dilated cardiomyopathy with woolly hair and keratoderma; Arrhythmogenic cardiomyopathy with woolly hair and keratoderma. Identifiers: Orphanet 65282, MedGen C1854063, MONDO:0011581, OMIM 605676.

Submission:

All of Us Research Program, National Institutes of Health
Classification: Likely benign for Arrhythmogenic cardiomyopathy with wooly hair and keratoderma. Last evaluated: 2023-08-15. Review status: criteria provided, single submitter. Criteria: ACMG Guidelines, 2015. Collection method: clinical testing. Allele origin: germline. Inheritance: Autosomal dominant inheritance. Observed: 1 variant allele, 1 heterozygote.
Comment: This study involves interpretation of variants in research participants for the purpose of population health screening. Participant phenotype was not available at the time of variant classification. Additional details can be found in publication PMID: 35346344, PMCID: PMC8962531

NM_004415.4(DSP):c.5511T>C (p.Asn1837=)

Gene: DSP (desmoplakin; plus strand). Cytogenetic location: 6p24.3.
Variant type: single nucleotide variant.
Coding change: c.5511T>C on transcript NM_004415.4 (MANE Select); coding-DNA position 5511, T replaced by C.
Protein change: p.Asn1837=; no amino-acid change (asparagine 1837 retained).
Molecular consequence: synonymous variant.
Genome position (GRCh38, 1-based): chr6:7,582,773, T>C. VCF-style: chr6-7582773-T-C. GRCh37 (hg19) VCF-style: chr6-7583006-T-C.
Other names: c.3714T>C, p.Asn1238= (NM_001008844.3); c.4182T>C, p.Asn1394= (NM_001319034.2).
Identifiers: ClinVar variation 3072700 (VCV003072700.1), dbSNP rs2533936219, ClinGen allele CA448715313.